The following is an entry in ClinVar:

ClinVar aggregate classification (germline): Benign/Likely benign. Review status: criteria provided, multiple submitters, no conflicts (2 of 4 stars). 4 submissions from 4 submitters: Benign (1); Likely benign (3). Last evaluated 2026-04-29.

Conditions:
Methylmalonic acidemia with homocystinuria, type cblX (MAHCX). Also called: INTELLECTUAL DEVELOPMENTAL DISORDER, X-LINKED 3. Identifiers: Orphanet 369962, MedGen C0796208, MONDO:0010657, OMIM 309541.
Inborn genetic diseases. Identifiers: MedGen C0950123, MeSH D030342.

Allele frequency attached by ClinVar (database versions not stated): gnomAD exomes 0.00011 and 0.00028; gnomAD 0.00012 and 0.00011; ExAC 0.00014; TOPMed 0.00020; ESP Exome Variant Server 0.00010.

Submissions (4):

Women's Health and Genetics/Laboratory Corporation of America, LabCorp
Classification: Likely benign. Last evaluated: 2026-04-29. Review status: criteria provided, single submitter. Criteria: LabCorp Variant Classification Summary - May 2015. Collection method: clinical testing. Allele origin: germline.
Comment: Variant summary: HCFC1 c.3853G>A (p.Val1285Met) results in a conservative amino acid change in the encoded protein sequence. Algorithms developed to predict the effect of missense changes on protein structure and function all suggest that this variant is likely to be tolerated. The variant allele was found at a frequency of 0.00028 in 180499 control chromosomes, predominantly at a frequency of 0.001 within the Latino subpopulation in the gnomAD database. The observed variant frequency within Latino control individuals in the gnomAD database exceeds the estimated maximal expected allele frequency for disease-causing variants in HCFC1. To our knowledge, no occurrence of c.3853G>A in individuals affected with HCFC1-related conditions and no experimental evidence demonstrating its impact on protein function have been reported. ClinVar contains an entry for this variant (Variation ID: 532002). Based on the evidence outlined above, the variant was classified as likely benign.

CeGaT Center for Human Genetics Tuebingen
Classification: Likely benign. Last evaluated: 2026-01-01. Review status: criteria provided, single submitter. Criteria: CeGaT Center For Human Genetics Tuebingen Variant Classification Criteria Version 2. Collection method: clinical testing. Allele origin: germline. Affected: yes. Observed: 2 variant alleles.
Comment: HCFC1: BS2

Labcorp Genetics (formerly Invitae), Labcorp
Classification: Benign for Methylmalonic acidemia with homocystinuria, type cblX. Last evaluated: 2024-12-31. Review status: criteria provided, single submitter. Criteria: Invitae Variant Classification Sherloc (09022015). Collection method: clinical testing. Allele origin: germline.

Ambry Genetics
Classification: Likely benign for Inborn genetic diseases. Last evaluated: 2022-06-24. Review status: criteria provided, single submitter. Criteria: Ambry Variant Classification Scheme 2023. Collection method: clinical testing. Allele origin: germline.

NM_005334.3(HCFC1):c.3853G>A (p.Val1285Met)

Gene: HCFC1 (host cell factor C1; minus strand). Cytogenetic location: Xq28.
Variant type: single nucleotide variant.
Coding change: c.3853G>A on transcript NM_005334.3 (MANE Select); coding-DNA position 3853, G replaced by A.
Protein change: p.Val1285Met; replaces valine 1285 with methionine.
Molecular consequence: missense variant.
Genome position (GRCh38, 1-based): chrX:153,954,546, C>T on the plus strand (G>A on the coding strand, the complement: HCFC1 is on the minus strand). VCF-style: chrX-153954546-C-T. GRCh37 (hg19) VCF-style: chrX-153219997-C-T.
Other names: short protein forms V1285M.
Identifiers: ClinVar variation 532002 (VCV000532002.16), dbSNP rs199611189, ClinGen allele CA10557124.
Genomic context (GRCh38, chrX:153,954,546, plus strand): 5'-CGGTGTTGGTGGTGCCTGTCTCGTGGGTCTCACATGGTGGGTTGGAGCAGACTTGGGTCA[C>T]GGTGGCCGAGGGGCACAGCAGTGCCTCCAGGGCTGTCACAGTCACTGTGGTGCTGGGCGA-3'
Protein context (NP_005325.2, residues 1275-1295): LEALLCPSAT[Val1285Met]TQVCSNPPCE